The following is an entry in ClinVar:

NM_001346557.2(IRGM):c.593+8T>C

Gene: IRGM (immunity related GTPase M; plus strand). Cytogenetic location: 5q33.1.
Variant type: single nucleotide variant.
Coding change: c.593+8T>C on transcript NM_001346557.2; 8 bases into the intron after coding-DNA position 593, T replaced by C.
Molecular consequence: intron variant.
Genome position (GRCh38, 1-based): chr5:150,879,654, T>C. VCF-style: chr5-150879654-T-C. GRCh37 (hg19) VCF-style: chr5-150259216-T-C.
Identifiers: ClinVar variation 3049071 (VCV003049071.2), dbSNP rs1002255971, ClinGen allele CA129188577.

ClinVar aggregate classification (germline): Likely benign (0 of 4 stars; one submission).

Conditions:
IRGM-related disorder. Also called: IRGM-related condition.

Allele frequency attached by ClinVar (database versions not stated): TOPMed 0.00002; gnomAD 0.00003.
gnomAD v4.1: 4 of 152,160 alleles (0.0026%); highest among the groups gnomAD compares: Non-Finnish European, 0.0059%; no homozygotes.

Submission:

PreventionGenetics, part of Exact Sciences
Classification: Likely benign for IRGM-related condition. Last evaluated: 2022-12-01. Review status: no assertion criteria provided. Collection method: clinical testing. Allele origin: germline.
Comment: This variant is classified as likely benign based on ACMG/AMP sequence variant interpretation guidelines (Richards et al. 2015 PMID: 25741868, with internal and published modifications).